The following is an entry in ClinVar:

ClinVar aggregate classification (germline): Uncertain significance. Review status: criteria provided, multiple submitters, no conflicts (2 of 4 stars). 2 submissions from 2 submitters: Uncertain significance (2). Last evaluated 2021-07-29.

Conditions:
Hereditary cancer-predisposing syndrome. Also called: Neoplastic Syndromes, Hereditary; Hereditary Cancer Syndrome; Hereditary neoplastic syndrome; Tumor predisposition. Identifiers: Orphanet 140162, MedGen C0027672, MeSH D009386, MONDO:0015356.
DICER1-related tumor predisposition. Also called: DICER1-related pleuropulmonary blastoma cancer predisposition syndrome; DICER1 syndrome. Identifiers: Orphanet 284343, MedGen C3839822, MONDO:0100216.

Submissions (2):

Labcorp Genetics (formerly Invitae), Labcorp
Classification: Uncertain significance for DICER1-related tumor predisposition. Last evaluated: 2021-07-29. Review status: criteria provided, single submitter. Criteria: Invitae Variant Classification Sherloc (09022015). Collection method: clinical testing. Allele origin: germline.
Comment: This sequence change replaces lysine with glutamic acid at codon 1657 of the DICER1 protein (p.Lys1657Glu). The lysine residue is moderately conserved and there is a small physicochemical difference between lysine and glutamic acid. In summary, the available evidence is currently insufficient to determine the role of this variant in disease. Therefore, it has been classified as a Variant of Uncertain Significance. Algorithms developed to predict the effect of missense changes on protein structure and function (SIFT, PolyPhen-2, Align-GVGD) all suggest that this variant is likely to be tolerated. ClinVar contains an entry for this variant (Variation ID: 825332). This variant has not been reported in the literature in individuals affected with DICER1-related conditions. This variant is not present in population databases (ExAC no frequency).

Ambry Genetics
Classification: Uncertain significance for Hereditary cancer-predisposing syndrome. Last evaluated: 2018-06-21. Review status: criteria provided, single submitter. Criteria: Ambry Variant Classification Scheme 2023. Collection method: clinical testing. Allele origin: germline.
Comment: The p.K1657E variant (also known as c.4969A>G), located in coding exon 22 of the DICER1 gene, results from an A to G substitution at nucleotide position 4969. The lysine at codon 1657 is replaced by glutamic acid, an amino acid with similar properties. This amino acid position is not well conserved in available vertebrate species. In addition, this alteration is predicted to be tolerated by in silico analysis. Since supporting evidence is limited at this time, the clinical significance of this alteration remains unclear.

NM_177438.3(DICER1):c.4969A>G (p.Lys1657Glu)

Gene: DICER1 (dicer 1, ribonuclease III; minus strand). Cytogenetic location: 14q32.13.
Variant type: single nucleotide variant.
Coding change: c.4969A>G on transcript NM_177438.3 (MANE Select); coding-DNA position 4969, A replaced by G.
Protein change: p.Lys1657Glu; replaces lysine 1657 with glutamic acid.
Molecular consequence: missense variant.
Genome position (GRCh38, 1-based): chr14:95,095,951, T>C on the plus strand (A>G on the coding strand, the complement: DICER1 is on the minus strand). VCF-style: chr14-95095951-T-C. GRCh37 (hg19) VCF-style: chr14-95562288-T-C.
Other names: c.4969A>G, p.Lys1657Glu (NM_001195573.1, NM_001271282.3, NM_001291628.2 and 1 more transcripts); short protein forms K1657E.
Identifiers: ClinVar variation 825332 (VCV000825332.11), dbSNP rs1595338078, ClinGen allele CA390866200.